The following is an entry in ClinVar:

NM_001371986.1(UNC80):c.400G>A (p.Gly134Ser)

Gene: UNC80 (unc-80 subunit of NALCN channel complex; plus strand). Cytogenetic location: 2q34.
Variant type: single nucleotide variant.
Coding change: c.400G>A on transcript NM_001371986.1 (MANE Select); coding-DNA position 400, G replaced by A.
Protein change: p.Gly134Ser; replaces glycine 134 with serine.
Molecular consequence: missense variant.
Genome position (GRCh38, 1-based): chr2:209,777,359, G>A. VCF-style: chr2-209777359-G-A. GRCh37 (hg19) VCF-style: chr2-210642083-G-A.
Other names: c.400G>A, p.Gly134Ser (NM_032504.2, NM_182587.4); short protein forms G134S.
Identifiers: ClinVar variation 397629 (VCV000397629.10), dbSNP rs764575721, ClinGen allele CA2082740.

ClinVar aggregate classification (germline): Uncertain significance. Review status: criteria provided, multiple submitters, no conflicts (2 of 4 stars). 2 submissions from 2 submitters: Uncertain significance (2). Last evaluated 2024-09-06.

Conditions:
Global developmental delay (DD). Also called: Cognitive delay. Identifiers: MedGen C0557874, HP:0001263. Disease mechanism: loss of function.

Allele frequency attached by ClinVar (database versions not stated): gnomAD 0.00001 and 0.00002; TOPMed 0.00001; gnomAD exomes 0.00005; ExAC 0.00009.
gnomAD v4.1: 51 of 1,614,060 alleles (0.0032%); highest among the groups gnomAD compares: South Asian, 0.034%; no homozygotes.

Submissions (2):

Labcorp Genetics (formerly Invitae), Labcorp
Classification: Uncertain significance. Last evaluated: 2024-09-06. Review status: criteria provided, single submitter. Criteria: Invitae Variant Classification Sherloc (09022015). Collection method: clinical testing. Allele origin: germline.
Comment: This sequence change replaces glycine, which is neutral and non-polar, with serine, which is neutral and polar, at codon 134 of the UNC80 protein (p.Gly134Ser). This variant is present in population databases (rs764575721, gnomAD 0.03%). This variant has not been reported in the literature in individuals affected with UNC80-related conditions. ClinVar contains an entry for this variant (Variation ID: 397629). An algorithm developed to predict the effect of missense changes on protein structure and function (PolyPhen-2) suggests that this variant is likely to be disruptive. In summary, the available evidence is currently insufficient to determine the role of this variant in disease. Therefore, it has been classified as a Variant of Uncertain Significance.

Claritas Genomics
Classification: Uncertain significance. Last evaluated: 2017-02-21. Review status: criteria provided, single submitter. Criteria: ACMG Guidelines, 2015. Collection method: clinical testing. Allele origin: germline. Affected: yes.